The following is an entry in ClinVar:

NM_000080.4(CHRNE):c.220G>A (p.Val74Ile)

Genes: C17orf107 (chromosome 17 open reading frame 107; plus strand), CHRNE (cholinergic receptor nicotinic epsilon subunit; minus strand). Cytogenetic location: 17p13.2.
Variant type: single nucleotide variant.
Coding change: c.220G>A on transcript NM_000080.4 (MANE Select); coding-DNA position 220, G replaced by A.
Protein change: p.Val74Ile; replaces valine 74 with isoleucine.
Molecular consequence: missense variant. On other transcripts: 3 prime UTR variant (1).
Genome position (GRCh38, 1-based): chr17:4,902,464, C>T on the plus strand (G>A on the coding strand, the complement: CHRNE is on the minus strand). VCF-style: chr17-4902464-C-T. GRCh37 (hg19) VCF-style: chr17-4805759-C-T.
Other names: c.*1931C>T (NM_001145536.2); short protein forms V74I.
Identifiers: ClinVar variation 3711016 (VCV003711016.2).

ClinVar aggregate classification (germline): Uncertain significance (1 of 4 stars; one submission).

Conditions:
Congenital myasthenic syndrome 4A. Also called: Myasthenic syndrome, congenital, 4a, slow-channel; MYASTHENIC SYNDROME, CONGENITAL, 4A, SLOW-CHANNEL, AUTOSOMAL RECESSIVE; CONGENITAL MYASTHENIC SYNDROME TYPE Ia1. Identifiers: Orphanet 590, MedGen C4225413, MONDO:0011600, OMIM 605809.

gnomAD v4.1: 14 of 1,614,200 alleles (0.00087%); highest among the groups gnomAD compares: Non-Finnish European, 0.0011%; no homozygotes.

Submission:

Labcorp Genetics (formerly Invitae), Labcorp
Classification: Uncertain significance for Congenital myasthenic syndrome 4A. Last evaluated: 2024-02-12. Review status: criteria provided, single submitter. Criteria: Invitae Variant Classification Sherloc (09022015). Collection method: clinical testing. Allele origin: germline.
Comment: This sequence change replaces valine, which is neutral and non-polar, with isoleucine, which is neutral and non-polar, at codon 74 of the CHRNE protein (p.Val74Ile). This variant is present in population databases (rs760534437, gnomAD 0.0009%). This variant has not been reported in the literature in individuals affected with CHRNE-related conditions. Advanced modeling of protein sequence and biophysical properties (such as structural, functional, and spatial information, amino acid conservation, physicochemical variation, residue mobility, and thermodynamic stability) has been performed at Invitae for this missense variant, however the output from this modeling did not meet the statistical confidence thresholds required to predict the impact of this variant on CHRNE protein function. In summary, the available evidence is currently insufficient to determine the role of this variant in disease. Therefore, it has been classified as a Variant of Uncertain Significance.